The following is an entry in ClinVar:

NM_000130.5(F5):c.1380C>T (p.Asn460=)

Gene: F5 (coagulation factor V; minus strand). Cytogenetic location: 1q24.2.
Variant type: single nucleotide variant.
Coding change: c.1380C>T on transcript NM_000130.5 (MANE Select); coding-DNA position 1380, C replaced by T.
Protein change: p.Asn460=; no amino-acid change (asparagine 460 retained).
Molecular consequence: synonymous variant.
Genome position (GRCh38, 1-based): chr1:169,550,656, G>A on the plus strand (C>T on the coding strand, the complement: F5 is on the minus strand). VCF-style: chr1-169550656-G-A. GRCh37 (hg19) VCF-style: chr1-169519894-G-A.
Other names: p.Asn460=.
Identifiers: ClinVar variation 255190 (VCV000255190.14), dbSNP rs6015, ClinGen allele CA1234331.
Genomic context (GRCh38, chr1:169,550,656, plus strand): 5'-TCAGAAGTTACTAGTTGGATTCAGTAGAAGTGAAAGATTCAAACCTGAGGTGAAAGAAGA[G>A]TTGACTTCATCTTCATAAGGCGAGAAGGTCACTCCATGAGGGTAAATGCTATAGGGGCGG-3'
Protein context (NP_000121.2, residues 450-470): VTFSPYEDEV[Asn460=]SSFTSGRNNT

ClinVar aggregate classification (germline): Benign/Likely benign. Review status: criteria provided, multiple submitters, no conflicts (2 of 4 stars). 8 submissions from 6 submitters: Benign (7); Likely benign (1). Last evaluated 2026-02-04.

Conditions:
Thrombophilia due to thrombin defect (THPH1). Also called: Thrombosis susceptibility; THROMBOPHILIA DUE TO FACTOR 2 DEFECT; Prothrombin-Related Thrombophilia (Factor II); Prothrombin Thrombophilia. Identifiers: MedGen C3160733, MONDO:0008559, OMIM 188050. Disease mechanism: gain of function, loss of function.
Congenital factor V deficiency. Also called: LABILE FACTOR DEFICIENCY; OWREN PARAHEMOPHILIA; PARAHEMOPHILIA; Hereditary factor V deficiency disease. Identifiers: Orphanet 326, MedGen C0015499, MONDO:0009210, OMIM 227400.
Budd-Chiari syndrome (BDCHS). Also called: Hepatic vein obstruction. Identifiers: Orphanet 131, MedGen C0856761, MONDO:0010947, OMIM 600880, HP:0002639.
Factor V deficiency. Also called: Reduced coagulation factor V activity. Identifiers: Orphanet 326, MedGen C4317320, MONDO:0020586, HP:0003225.

Allele frequency attached by ClinVar (database versions not stated): 1000 Genomes Project 30x 0.05012; 1000 Genomes Project 0.05092; ESP Exome Variant Server 0.05613; TOPMed 0.05969; gnomAD 0.06377 and 0.06474; ExAC 0.07184; gnomAD exomes 0.07553.

Submissions (8):

Labcorp Genetics (formerly Invitae), Labcorp
Classification: Benign for Congenital factor V deficiency. Last evaluated: 2026-02-04. Review status: criteria provided, single submitter. Criteria: Invitae Variant Classification Sherloc (09022015). Collection method: clinical testing. Allele origin: germline.

GeneDx
Classification: Benign. Last evaluated: 2019-09-19. Review status: criteria provided, single submitter. Criteria: GeneDx Variant Classification Process June 2021. Collection method: clinical testing. Allele origin: germline. Affected: yes.

Illumina Laboratory Services, Illumina
Classification: Benign for Budd-Chiari syndrome. Last evaluated: 2018-01-13. Review status: criteria provided, single submitter. Criteria: ICSL Variant Classification Criteria 13 December 2019. Collection method: clinical testing. Allele origin: germline.
Comment: This variant was observed in the ICSL laboratory as part of a predisposition screen in an ostensibly healthy population. It had not been previously curated by ICSL or reported in the Human Gene Mutation Database (HGMD: prior to June 1st, 2018), and was therefore a candidate for classification through an automated scoring system. Utilizing variant allele frequency, disease prevalence and penetrance estimates, and inheritance mode, an automated score was calculated to assess if this variant is too frequent to cause the disease. Based on the score and internal cut-off values, a variant classified as benign is not then subjected to further curation. The score for this variant resulted in a classification of benign for this disease.

Illumina Laboratory Services, Illumina
Classification: Benign for Congenital factor V deficiency. Last evaluated: 2018-01-13. Review status: criteria provided, single submitter. Criteria: ICSL Variant Classification Criteria 13 December 2019. Collection method: clinical testing. Allele origin: germline.
Comment: the same text as in the submission from Illumina Laboratory Services, Illumina above.

Illumina Laboratory Services, Illumina
Classification: Benign for Venous thrombosis. Last evaluated: 2018-01-13. Review status: criteria provided, single submitter. Criteria: ICSL Variant Classification Criteria 13 December 2019. Collection method: clinical testing. Allele origin: germline.
Comment: the same text as in the submission from Illumina Laboratory Services, Illumina above.

Mayo Clinic Laboratories, Mayo Clinic
Classification: Benign. Last evaluated: 2016-05-26. Review status: criteria provided, single submitter. Criteria: ACMG Guidelines, 2015. Collection method: clinical testing. Allele origin: germline. Observed: 32 variant alleles.

Breakthrough Genomics
Classification: Likely benign. Review status: criteria provided, single submitter. Criteria: ACMG Guidelines, 2015. Collection method: not provided. Allele origin: germline. Inheritance: Autosomal recessive inheritance. Affected: yes.

PreventionGenetics, part of Exact Sciences
Classification: Benign. Review status: criteria provided, single submitter. Criteria: ACMG Guidelines, 2015. Collection method: clinical testing. Allele origin: germline.